The following is an entry in ClinVar:

ClinVar aggregate classification (germline): Uncertain significance (1 of 4 stars; one submission).

Submission:

GeneDx
Classification: Uncertain significance. Last evaluated: 2025-07-23. Review status: criteria provided, single submitter. Criteria: GeneDx Variant Classification Process June 2021. Collection method: clinical testing. Allele origin: germline.
Comment: Frameshift variant predicted to result in protein truncation or nonsense mediated decay in a gene or region of a gene for which loss of function is not a well-established mechanism of disease; Has not been previously published as pathogenic or benign to our knowledge

NM_001039591.3(USP9X):c.7431+9del

Gene: USP9X (ubiquitin specific peptidase 9 X-linked; plus strand). Cytogenetic location: Xp11.4.
Variant type: Deletion.
Coding change: c.7431+9del on transcript NM_001039591.3 (MANE Select); 9 bases into the intron after coding-DNA position 7431, one base deleted (A; older notation c.7431+9delA).
Molecular consequence: intron variant. On other transcripts: frameshift variant (2).
Genome position (GRCh38, 1-based): chrX:41,229,788, A deleted; the last of 7 consecutive A bases (chrX:41,229,782-41,229,788); deleting any one gives the same sequence. VCF-style (leftmost placement, unchanged base first): chrX-41229781-TA-T. GRCh37 (hg19) VCF-style: chrX-41089034-TA-T.
Other names: c.7440del, p.Ala2481fs (NM_001039590.3); c.7455del, p.Ala2486fs (NM_001410748.1); c.7446+9del (NM_001410749.1); short protein forms A2481fs, A2486fs.
Identifiers: ClinVar variation 2580570 (VCV002580570.2), dbSNP rs774054468, ClinGen allele CA10389211.